The following is an entry in ClinVar:

ClinVar aggregate classification (germline): Benign (0 of 4 stars; one submission).

Conditions:
UNC50-related disorder. Also called: UNC50-related condition.

Allele frequency attached by ClinVar (database versions not stated): gnomAD 0.26036; ESP Exome Variant Server 0.26249; TOPMed 0.26492; ExAC 0.26877; 1000 Genomes Project 30x 0.27889; 1000 Genomes Project 0.28574.
gnomAD v4.1: 417,297 of 1,608,926 alleles (26%); highest among the groups gnomAD compares: Middle Eastern, 32%; 54,837 homozygotes.

Submission:

PreventionGenetics, part of Exact Sciences
Classification: Benign for UNC50-related condition. Last evaluated: 2019-05-24. Review status: no assertion criteria provided. Collection method: clinical testing. Allele origin: germline.
Comment: This variant is classified as benign based on ACMG/AMP sequence variant interpretation guidelines (Richards et al. 2015 PMID: 25741868, with internal and published modifications).

NM_014044.7(UNC50):c.-4-46T>A

Gene: UNC50 (unc-50 inner nuclear membrane RNA binding protein; plus strand). Cytogenetic location: 2q11.2.
Variant type: single nucleotide variant.
Coding change: c.-4-46T>A on transcript NM_014044.7 (MANE Select); 46 bases into the intron before 4 bases upstream of the start codon, T replaced by A.
Molecular consequence: intron variant. On other transcripts: missense variant (1), initiator codon variant (1).
Genome position (GRCh38, 1-based): chr2:98,609,710, T>A. VCF-style: chr2-98609710-T-A. GRCh37 (hg19) VCF-style: chr2-99226173-T-A.
Other names: c.2T>A, p.Met1Lys (NM_001330354.2); c.-4-46T>A (NM_001330353.2); short protein forms M1K.
Identifiers: ClinVar variation 3060880 (VCV003060880.2), dbSNP rs1062847, ClinGen allele CA1795186.